The following is an entry in ClinVar:

ClinVar aggregate classification (germline): Pathogenic (0 of 4 stars; one submission).

Conditions:
Fanconi anemia (FA). Also called: Fanconi's anemia. Identifiers: Orphanet 84, MedGen C0015625, MeSH D005199, MONDO:0019391.

Submission:

Molecular Genetics and Enzymology, National Research Centre
Classification: Pathogenic for Fanconi anemia. Last evaluated: 2017-02-01. Review status: no assertion criteria provided. Collection method: research. Allele origin: germline. Affected: yes. Observed: 3 variant alleles.

NM_000135.4(FANCA):c.1472_1566+1del

Gene: FANCA (FA complementation group A; minus strand). Cytogenetic location: 16q24.3.
Variant type: Deletion.
Coding change: c.1472_1566+1del on transcript NM_000135.4 (MANE Select); coding-DNA position 1472 through the canonical splice donor site of the intron after coding-DNA position 1566, 96 bases deleted.
Molecular consequence: splice acceptor variant, splice donor variant.
Genome position (GRCh38, 1-based): chr16:89,783,006-89,783,101, 96 bases deleted. GRCh37 (hg19): chr16:89,849,417-89,849,512.
Other names: c.1472_1566+1del (NM_001286167.3).
Identifiers: ClinVar variation 632553 (VCV000632553.3), dbSNP rs1567628967, ClinGen allele CA913190998.